The following is an entry in ClinVar:

NM_013352.4(DSE):c.2601C>T (p.Tyr867=)

Gene: DSE (dermatan sulfate epimerase; plus strand). Cytogenetic location: 6q22.1.
Variant type: single nucleotide variant.
Coding change: c.2601C>T on transcript NM_013352.4 (MANE Select); coding-DNA position 2601, C replaced by T.
Protein change: p.Tyr867=; no amino-acid change (tyrosine 867 retained).
Molecular consequence: synonymous variant. On other transcripts: 3 prime UTR variant (2), non-coding transcript variant (1).
Genome position (GRCh38, 1-based): chr6:116,437,069, C>T. VCF-style: chr6-116437069-C-T. GRCh37 (hg19) VCF-style: chr6-116758232-C-T.
Other names: c.2601C>T, p.Tyr867= (NM_001080976.3, NM_001322937.2, NM_001322938.2); c.2658C>T, p.Tyr886= (NM_001322939.2); c.2040C>T, p.Tyr680= (NM_001322940.2, NM_001322941.2); c.*1466C>T (NM_001322943.2, NM_001322944.2); c.1602C>T, p.Tyr534= (NM_001374520.1); c.1566C>T, p.Tyr522= (NM_001374521.1).
Identifiers: ClinVar variation 508454 (VCV000508454.15), dbSNP rs535021192, ClinGen allele CA3969840.

ClinVar aggregate classification (germline): Conflicting classifications of pathogenicity. Review status: criteria provided, conflicting classifications (1 of 4 stars). 5 submissions from 5 submitters: Uncertain significance (1); Likely benign (3). 1 of the submissions does not count toward it. Last evaluated 2025-10-24.

Conditions:
Ehlers-Danlos syndrome (EDS). Identifiers: Orphanet 98249, MedGen C0013720, MONDO:0020066.
DSE-related disorder. Also called: DSE-related condition.
Ehlers-Danlos syndrome, musculocontractural type 2 (EDSMC2). Identifiers: Orphanet 2953, MedGen C3809845, MONDO:0014236, OMIM 615539.

Allele frequency attached by ClinVar (database versions not stated): TOPMed 0.00003; gnomAD 0.00009; gnomAD exomes 0.00011; ExAC 0.00018.
gnomAD v4.1: 215 of 1,613,814 alleles (0.013%); highest among the groups gnomAD compares: Non-Finnish European, 0.017%; no homozygotes.

Submissions (5):

Women's Health and Genetics/Laboratory Corporation of America, LabCorp
Classification: Likely benign. Last evaluated: 2025-10-24. Review status: criteria provided, single submitter. Criteria: LabCorp Variant Classification Summary - May 2015. Collection method: clinical testing. Allele origin: germline.

Labcorp Genetics (formerly Invitae), Labcorp
Classification: Likely benign for Ehlers-Danlos syndrome, musculocontractural type 2. Last evaluated: 2025-10-03. Review status: criteria provided, single submitter. Criteria: Invitae Variant Classification Sherloc (09022015). Collection method: clinical testing. Allele origin: germline.

Genome Diagnostics Laboratory, The Hospital for Sick Children
Classification: Uncertain significance for Ehlers-Danlos syndrome. Last evaluated: 2020-02-01. Review status: criteria provided, single submitter. Criteria: ACMG Guidelines, 2015. Collection method: clinical testing. Allele origin: germline.

GeneDx
Classification: Likely benign. Last evaluated: 2017-03-30. Review status: criteria provided, single submitter. Criteria: GeneDx Variant Classification (06012015). Collection method: clinical testing. Allele origin: germline. Affected: yes.
Comment: This variant is considered likely benign or benign based on one or more of the following criteria: it is a conservative change, it occurs at a poorly conserved position in the protein, it is predicted to be benign by multiple in silico algorithms, and/or has population frequency not consistent with disease.

PreventionGenetics, part of Exact Sciences
Classification: Likely benign for DSE-related condition. Last evaluated: 2020-10-14. Review status: no assertion criteria provided. Collection method: clinical testing. Allele origin: germline. Not counted in ClinVar's aggregate classification.
Comment: This variant is classified as likely benign based on ACMG/AMP sequence variant interpretation guidelines (Richards et al. 2015 PMID: 25741868, with internal and published modifications).